The following is an entry in ClinVar:

ClinVar aggregate classification (germline): Pathogenic (1 of 4 stars; one submission).

Conditions:
Neuropathy, hereditary sensory and autonomic, type 2A (HSAN2A). Also called: ACROOSTEOLYSIS, GIACCAI TYPE; ACROOSTEOLYSIS, NEUROGENIC; WNK1-Related HSAN2 (HSAN2A); HSAN IIA; MORVAN DISEASE; NEUROPATHY, CONGENITAL SENSORY. Identifiers: Orphanet 970, MedGen C2752089, MONDO:0024309, OMIM 201300.
Pseudohypoaldosteronism type 2C (PHA2C). Also called: Pseudohypoaldosteronism Type IIC. Identifiers: Orphanet 757, Orphanet 88940, MedGen C1840391, MONDO:0013778, OMIM 614492.

Submission:

Labcorp Genetics (formerly Invitae), Labcorp
Classification: Pathogenic for Neuropathy, hereditary sensory and autonomic, type 2A; Pseudohypoaldosteronism type 2C. Last evaluated: 2019-10-13. Review status: criteria provided, single submitter. Criteria: Invitae Variant Classification Sherloc (09022015). Collection method: clinical testing. Allele origin: germline.
Comment: This sequence change creates a premature translational stop signal (p.Glu908*) in the WNK1 gene. It is expected to result in an absent or disrupted protein product. This variant is not present in population databases (ExAC no frequency). This variant has not been reported in the literature in individuals with WNK1-related conditions. Loss-of-function variants in WNK1 are known to be pathogenic (PMID: 22910560). For these reasons, this variant has been classified as Pathogenic.

Literature cited by the submitters: PubMed 22910560.

NM_213655.5(WNK1):c.2722G>T (p.Glu908Ter)

Gene: WNK1 (WNK lysine deficient protein kinase 1; plus strand). Cytogenetic location: 12p13.33.
Variant type: single nucleotide variant.
Coding change: c.2722G>T on transcript NM_213655.5 (MANE Plus Clinical); coding-DNA position 2722, G replaced by T.
Protein change: p.Glu908Ter; replaces glutamic acid 908 with a stop codon.
Molecular consequence: nonsense. On other transcripts: intron variant (2).
Genome position (GRCh38, 1-based): chr12:868,193, G>T. VCF-style: chr12-868193-G-T. GRCh37 (hg19) VCF-style: chr12-977359-G-T.
Other names: c.2467G>T, p.Glu823Ter (NM_001184985.2); c.2140-3072G>T (NM_018979.4, NM_014823.3); short protein forms E908*, E823*.
Identifiers: ClinVar variation 965336 (VCV000965336.7), dbSNP rs1592096494, ClinGen allele CA383339483.